The following is an entry in ClinVar:

ClinVar aggregate classification (germline): Uncertain significance (1 of 4 stars; one submission).

Submission:

Labcorp Genetics (formerly Invitae), Labcorp
Classification: Uncertain significance. Last evaluated: 2023-07-26. Review status: criteria provided, single submitter. Criteria: Invitae Variant Classification Sherloc (09022015). Collection method: clinical testing. Allele origin: germline.
Comment: This sequence change replaces methionine, which is neutral and non-polar, with leucine, which is neutral and non-polar, at codon 2315 of the FN1 protein (p.Met2315Leu). This variant is not present in population databases (gnomAD no frequency). In summary, the available evidence is currently insufficient to determine the role of this variant in disease. Therefore, it has been classified as a Variant of Uncertain Significance. Algorithms developed to predict the effect of missense changes on protein structure and function output the following: SIFT: "Not Available"; PolyPhen-2: "Benign"; Align-GVGD: "Not Available". The leucine amino acid residue is found in multiple mammalian species, which suggests that this missense change does not adversely affect protein function. ClinVar contains an entry for this variant (Variation ID: 1721186). This variant has not been reported in the literature in individuals affected with FN1-related conditions.

NM_212482.4(FN1):c.6943A>T (p.Met2315Leu)

Genes: ATIC (5-aminoimidazole-4-carboxamide ribonucleotide formyltransferase/IMP cyclohydrolase; plus strand), FN1 (fibronectin 1; minus strand). Cytogenetic location: 2q35.
Variant type: single nucleotide variant.
Coding change: c.6943A>T on transcript NM_212482.4 (MANE Select); coding-DNA position 6943, A replaced by T.
Protein change: p.Met2315Leu; replaces methionine 2315 with leucine.
Molecular consequence: missense variant.
Genome position (GRCh38, 1-based): chr2:215,367,938, T>A on the plus strand (A>T on the coding strand, the complement: FN1 is on the minus strand). VCF-style: chr2-215367938-T-A. GRCh37 (hg19) VCF-style: chr2-216232661-T-A.
Other names: c.6598A>T, p.Met2200Leu (NM_001365519.2); c.6595A>T, p.Met2199Leu (NM_001365520.2); c.6580A>T, p.Met2194Leu (NM_001365521.2); c.6505A>T, p.Met2169Leu (NM_001365522.2); c.6325A>T, p.Met2109Leu (NM_001365523.2); c.6310A>T, p.Met2104Leu (NM_001365524.2); c.6577A>T, p.Met2193Leu (NM_002026.4); c.6040A>T, p.Met2014Leu (NM_212474.3); and 8 more; short protein forms M2014L, M2078L, M2103L, M2104L, M2105L, M2109L, M2134L, M2168L.
Identifiers: ClinVar variation 1721186 (VCV001721186.5), dbSNP rs2469224012, ClinGen allele CA350463572.